The following is an entry in ClinVar:

ClinVar aggregate classification (germline): Pathogenic (1 of 4 stars; one submission).

Conditions:
Joubert syndrome. Also called: CEREBELLOPARENCHYMAL DISORDER IV; JOUBERT-BOLTSHAUSER SYNDROME; Familial aplasia of the vermis. Identifiers: Orphanet 475, MedGen C5979921, MONDO:0018772.
Meckel-Gruber syndrome. Also called: DYSENCEPHALIA SPLANCHNOCYSTICA; GRUBER SYNDROME; Dysencephalia splachnocystica. Identifiers: Orphanet 564, MedGen C0265215, MONDO:0018921.

Submission:

Labcorp Genetics (formerly Invitae), Labcorp
Classification: Pathogenic for Joubert syndrome; Meckel-Gruber syndrome. Last evaluated: 2024-02-08. Review status: criteria provided, single submitter. Criteria: Invitae Variant Classification Sherloc (09022015). Collection method: clinical testing. Allele origin: germline.
Comment: This sequence change creates a premature translational stop signal (p.Tyr612*) in the TMEM67 gene. It is expected to result in an absent or disrupted protein product. Loss-of-function variants in TMEM67 are known to be pathogenic (PMID: 20232449, 23559409). This variant is not present in population databases (gnomAD no frequency). This variant has not been reported in the literature in individuals affected with TMEM67-related conditions. For these reasons, this variant has been classified as Pathogenic.

Literature cited by the submitters: PubMed 20232449; PubMed 23559409.

NM_153704.6(TMEM67):c.1836T>G (p.Tyr612Ter)

Gene: TMEM67 (transmembrane protein 67; plus strand). Cytogenetic location: 8q22.1.
Variant type: single nucleotide variant.
Coding change: c.1836T>G on transcript NM_153704.6 (MANE Select); coding-DNA position 1836, T replaced by G.
Protein change: p.Tyr612Ter; replaces tyrosine 612 with a stop codon.
Molecular consequence: nonsense. On other transcripts: non-coding transcript variant (1).
Genome position (GRCh38, 1-based): chr8:93,795,963, T>G. VCF-style: chr8-93795963-T-G. GRCh37 (hg19) VCF-style: chr8-94808191-T-G.
Other names: c.1593T>G, p.Tyr531Ter (NM_001142301.1); short protein forms Y531*, Y612*.
Identifiers: ClinVar variation 3754243 (VCV003754243.2).
Genomic context (GRCh38, chr8:93,795,963, plus strand): 5'-ACAGAAGTCTGTGTCTGTTTTGCTGCCAATGCCAATTCAGGAAGAACGTTTTGTCACTTA[T>G]GTTGGATGTGCCTTTGCTCTGAAGGTAAGTTTTAAAGGACAGGTTACCAAATTTAAAAGG-3'